The following is an entry in ClinVar:

NM_007294.4(BRCA1):c.4391_4403delinsTT (p.Pro1464fs)

Gene: BRCA1 (BRCA1 DNA repair associated; minus strand). Cytogenetic location: 17q21.31.
Variant type: Indel.
Coding change: c.4391_4403delinsTT on transcript NM_007294.4 (MANE Select); coding-DNA positions 4391 to 4403, CTATAAGCCAGAA replaced by TT.
Protein change: p.Pro1464fs; shifts the reading frame from proline 1464.
Molecular consequence: frameshift variant. On other transcripts: non-coding transcript variant (1).
Genome position (GRCh38, 1-based): chr17:43,076,569-43,076,581, TTCTGGCTTATAG replaced by AA on the plus strand (CTATAAGCCAGAA replaced by TT on the coding strand, the reverse complement: BRCA1 is on the minus strand). VCF-style: chr17-43076569-TTCTGGCTTATAG-AA. GRCh37 (hg19) VCF-style: chr17-41228586-TTCTGGCTTATAG-AA.
Other names: 4510del13insTT; c.4178_4190delCTATAAGCCAGAAinsTT, p.Pro1393Leufs (NM_001407571.1, NM_001407894.1, NM_001407895.1 and 12 more transcripts); c.4457_4469delCTATAAGCCAGAAinsTT, p.Pro1486Leufs (NM_001407581.1, NM_001407582.1); c.4454_4466delCTATAAGCCAGAAinsTT, p.Pro1485Leufs (NM_001407583.1, NM_001407585.1, NM_001407587.1); c.4451_4463delCTATAAGCCAGAAinsTT, p.Pro1484Leufs (NM_001407590.1, NM_001407591.1); c.4391_4403delCTATAAGCCAGAAinsTT, p.Pro1464Leufs (NM_001407593.1, NM_001407594.1, NM_001407596.1 and 8 more transcripts); c.4388_4400delCTATAAGCCAGAAinsTT, p.Pro1463Leufs (NM_001407610.1, NM_001407611.1, NM_001407612.1 and 17 more transcripts); c.4385_4397delCTATAAGCCAGAAinsTT, p.Pro1462Leufs (NM_001407627.1, NM_001407628.1, NM_001407629.1 and 14 more transcripts); and 72 more; short protein forms P1485fs, P360fs, P1417fs, P1464fs.
Identifiers: ClinVar variation 55188 (VCV000055188.2), dbSNP rs273900731, ClinGen allele CA002817.

ClinVar aggregate classification (germline): Pathogenic. Review status: reviewed by expert panel (3 of 4 stars). 2 submissions from 2 submitters: Pathogenic (1). 1 of the submissions does not count toward it. Last evaluated 2017-12-15.

Conditions:
Breast-ovarian cancer, familial, susceptibility to, 1 (BROVCA1). Also called: BRCA1 Hereditary Breast and Ovarian Cancer; OVARIAN CANCER, SUSCEPTIBILITY TO. Identifiers: Orphanet 145, MedGen C2676676, MONDO:0011450, OMIM 604370. Disease mechanism: loss of function.

Submissions (2):

Evidence-based Network for the Interpretation of Germline Mutant Alleles (ENIGMA)
Classification: Pathogenic for Breast-ovarian cancer, familial, susceptibility to, 1. Last evaluated: 2017-12-15. Review status: reviewed by expert panel. Criteria: ENIGMA BRCA1/2 Classification Criteria (2017-06-29). Collection method: curation. Allele origin: germline. Study: ENIGMA.
Comment: Variant allele predicted to encode a truncated non-functional protein.

Breast Cancer Information Core (BIC) (BRCA1)
Classification: Pathogenic for Breast-ovarian cancer, familial 1. Last evaluated: 2002-05-29. Review status: no assertion criteria provided. Collection method: clinical testing. Allele origin: germline. Affected: yes. Observed: 1 variant allele. Not counted in ClinVar's aggregate classification.